The following is an entry in ClinVar:

NM_006767.4(LZTR1):c.964G>A (p.Glu322Lys)

Gene: LZTR1 (leucine zipper like post translational regulator 1; plus strand). Cytogenetic location: 22q11.21.
Variant type: single nucleotide variant.
Coding change: c.964G>A on transcript NM_006767.4 (MANE Select); coding-DNA position 964, G replaced by A.
Protein change: p.Glu322Lys; replaces glutamic acid 322 with lysine.
Molecular consequence: missense variant.
Genome position (GRCh38, 1-based): chr22:20,991,800, G>A. VCF-style: chr22-20991800-G-A. GRCh37 (hg19) VCF-style: chr22-21346089-G-A.
Other names: short protein forms E322K.
Identifiers: ClinVar variation 1767671 (VCV001767671.3), dbSNP rs1015399427, ClinGen allele CA410781576.

ClinVar aggregate classification (germline): Uncertain significance (1 of 4 stars; one submission).

Conditions:
Cardiovascular phenotype. Identifiers: MedGen CN230736.
Hereditary cancer-predisposing syndrome. Also called: Hereditary Cancer Syndrome; Hereditary neoplastic syndrome; Neoplastic Syndromes, Hereditary; Tumor predisposition. Identifiers: Orphanet 140162, MedGen C0027672, MeSH D009386, MONDO:0015356.

gnomAD v4.1: 1 of 1,551,510 alleles (0.000064%); highest among the groups gnomAD compares: Non-Finnish European, 0.000087%; no homozygotes.

Submission:

Ambry Genetics
Classification: Uncertain significance for Cardiovascular phenotype; Hereditary cancer-predisposing syndrome. Last evaluated: 2025-09-12. Review status: criteria provided, single submitter. Criteria: Ambry Variant Classification Scheme 2023. Collection method: clinical testing. Allele origin: germline.
Comment: The p.E322K variant (also known as c.964G>A), located in coding exon 9 of the LZTR1 gene, results from a G to A substitution at nucleotide position 964. The glutamic acid at codon 322 is replaced by lysine, an amino acid with similar properties. This amino acid position is highly conserved in available vertebrate species. In addition, this alteration is predicted to be deleterious by in silico analysis. Based on the available evidence, the clinical significance of this variant remains unclear.